The following is an entry in ClinVar:

ClinVar aggregate classification (germline): Uncertain significance (1 of 4 stars; one submission).

Conditions:
Idiopathic Pulmonary Fibrosis. Also called: Idiopathic fibrosing alveolitis, chronic form; idiopathic fibrosing alveolitis. Identifiers: Orphanet 2032, MedGen C1800706, MeSH D054990, MONDO:0800504.
Dyskeratosis congenita, autosomal dominant 2. Identifiers: MedGen C3151443, MONDO:0013521, OMIM 613989.

Submission:

Labcorp Genetics (formerly Invitae), Labcorp
Classification: Uncertain significance for Dyskeratosis congenita, autosomal dominant 2; Idiopathic Pulmonary Fibrosis. Last evaluated: 2022-09-21. Review status: criteria provided, single submitter. Criteria: Invitae Variant Classification Sherloc (09022015). Collection method: clinical testing. Allele origin: germline.
Comment: In summary, the available evidence is currently insufficient to determine the role of this variant in disease. Therefore, it has been classified as a Variant of Uncertain Significance. Advanced modeling of protein sequence and biophysical properties (such as structural, functional, and spatial information, amino acid conservation, physicochemical variation, residue mobility, and thermodynamic stability) performed at Invitae indicates that this missense variant is not expected to disrupt TERT protein function. This variant has not been reported in the literature in individuals affected with TERT-related conditions. This variant is not present in population databases (gnomAD no frequency). This sequence change replaces proline, which is neutral and non-polar, with serine, which is neutral and polar, at codon 278 of the TERT protein (p.Pro278Ser).

NM_198253.3(TERT):c.832C>T (p.Pro278Ser)

Gene: TERT (telomerase reverse transcriptase; minus strand). Cytogenetic location: 5p15.33.
Variant type: single nucleotide variant.
Coding change: c.832C>T on transcript NM_198253.3 (MANE Select); coding-DNA position 832, C replaced by T.
Protein change: p.Pro278Ser; replaces proline 278 with serine.
Molecular consequence: missense variant. On other transcripts: non-coding transcript variant (2).
Genome position (GRCh38, 1-based): chr5:1,294,054, G>A on the plus strand (C>T on the coding strand, the complement: TERT is on the minus strand). VCF-style: chr5-1294054-G-A. GRCh37 (hg19) VCF-style: chr5-1294169-G-A.
Other names: c.832C>T, p.Pro278Ser (NM_001193376.3); short protein forms P278S.
Identifiers: ClinVar variation 1524765 (VCV001524765.8), dbSNP rs2126687588, ClinGen allele CA359056584.
Genomic context (GRCh38, chr5:1,294,054, plus strand): 5'-ATGGGTGGGAGTGGCGCGTGCCAGAGAGCGCACCCTCCAAAGAGGTGGCTTCTTCGGCGG[G>A]TCTGGCAGGTGACACCACACAGAAACCACGGTCACTCGGTCCACGCGTCCTGCCCGGGTG-3'
Protein context (NP_937983.2, residues 268-288): RGFCVVSPAR[Pro278Ser]AEEATSLEGA